The following is an entry in ClinVar:

NM_001127178.3(PIGG):c.1030A>G (p.Met344Val)

Gene: PIGG (phosphatidylinositol glycan anchor biosynthesis class G (EMM blood group); plus strand). Cytogenetic location: 4p16.3.
Variant type: single nucleotide variant.
Coding change: c.1030A>G on transcript NM_001127178.3 (MANE Select); coding-DNA position 1030, A replaced by G.
Protein change: p.Met344Val; replaces methionine 344 with valine.
Molecular consequence: missense variant. On other transcripts: initiator codon variant (1), 5 prime UTR variant (3), non-coding transcript variant (10).
Genome position (GRCh38, 1-based): chr4:516,101, A>G. VCF-style: chr4-516101-A-G. GRCh37 (hg19) VCF-style: chr4-509890-A-G.
Other names: c.763A>G, p.Met255Val (NM_001289051.2, NM_001289053.2, NM_001289057.2 and 2 more transcripts); c.631A>G, p.Met211Val (NM_001289052.2); c.664A>G, p.Met222Val (NM_001289055.2); c.1A>G, p.Met1Val (NM_001345988.2); c.1030A>G, p.Met344Val (NM_001345989.2, NM_017733.5); c.-596A>G (NM_001345990.2); c.-458A>G (NM_001345991.2); c.-183A>G (NM_001345994.2); short protein forms M222V, M344V, M211V, M1V, M255V.
Identifiers: ClinVar variation 964696 (VCV000964696.11), dbSNP rs757141700, ClinGen allele CA355902013.
Genomic context (GRCh38, chr4:516,101, plus strand): 5'-TTACCGATTCCAAAAGACAGTGTAGGGAGCCTCCTATTCCCAGTTGTGGAAGGAAGACCA[A>G]TGAGAGAGCAGTTGAGATTTTTACATTTGAATACAGTGCAGCTTAGTAAACTGTTGCAAG-3'
Protein context (NP_001120650.1, residues 334-354): LLFPVVEGRP[Met344Val]REQLRFLHLN

ClinVar aggregate classification (germline): Uncertain significance (1 of 4 stars; one submission).

Conditions:
Intellectual disability, autosomal recessive 53 (NEDHSCA). Also called: GLYCOSYLPHOSPHATIDYLINOSITOL BIOSYNTHESIS DEFECT 13; Mental retardation, autosomal recessive 53; NEURODEVELOPMENTAL DISORDER WITH OR WITHOUT HYPOTONIA, SEIZURES, AND CEREBELLAR ATROPHY. Identifiers: Orphanet 488635, MedGen C4310794, MONDO:0014832, OMIM 616917.

Allele frequency attached by ClinVar (database versions not stated): gnomAD 0.00001.
gnomAD v4.1: 6 of 1,613,720 alleles (0.00037%); highest among the groups gnomAD compares: Admixed American, 0.005%; no homozygotes.

Submission:

Labcorp Genetics (formerly Invitae), Labcorp
Classification: Uncertain significance for Intellectual disability, autosomal recessive 53. Last evaluated: 2019-11-07. Review status: criteria provided, single submitter. Criteria: Invitae Variant Classification Sherloc (09022015). Collection method: clinical testing. Allele origin: germline.
Comment: In summary, the available evidence is currently insufficient to determine the role of this variant in disease. Therefore, it has been classified as a Variant of Uncertain Significance. This sequence change replaces methionine with valine at codon 344 of the PIGG protein (p.Met344Val). The methionine residue is moderately conserved and there is a small physicochemical difference between methionine and valine. This variant is not present in population databases (ExAC no frequency). This variant has not been reported in the literature in individuals with PIGG-related conditions. Algorithms developed to predict the effect of missense changes on protein structure and function output the following: SIFT: "Tolerated"; PolyPhen-2: "Benign"; Align-GVGD: "Class C0". The valine amino acid residue is found in multiple mammalian species, suggesting that this missense change does not adversely affect protein function. These predictions have not been confirmed by published functional studies and their clinical significance is uncertain. Algorithms developed to predict the effect of sequence changes on RNA splicing suggest that this variant may create or strengthen a splice site, but this prediction has not been confirmed by published transcriptional studies.